The following is an entry in ClinVar:

ClinVar aggregate classification (germline): Uncertain significance (1 of 4 stars; one submission).

gnomAD v4.1: 7 of 1,613,936 alleles (0.00043%); highest among the groups gnomAD compares: Admixed American, 0.0017%; no homozygotes.

Submission:

Labcorp Genetics (formerly Invitae), Labcorp
Classification: Uncertain significance. Last evaluated: 2022-04-13. Review status: criteria provided, single submitter. Criteria: Invitae Variant Classification Sherloc (09022015). Collection method: clinical testing. Allele origin: germline.
Comment: In summary, the available evidence is currently insufficient to determine the role of this variant in disease. Therefore, it has been classified as a Variant of Uncertain Significance. Algorithms developed to predict the effect of missense changes on protein structure and function output the following: SIFT: "Tolerated"; PolyPhen-2: "Benign"; Align-GVGD: "Class C0". The serine amino acid residue is found in multiple mammalian species, which suggests that this missense change does not adversely affect protein function. This variant has not been reported in the literature in individuals affected with VCAN-related conditions. This variant is present in population databases (no rsID available, gnomAD 0.03%). This sequence change replaces proline, which is neutral and non-polar, with serine, which is neutral and polar, at codon 365 of the VCAN protein (p.Pro365Ser).

NM_004385.5(VCAN):c.1093C>T (p.Pro365Ser)

Gene: VCAN (versican; plus strand). Cytogenetic location: 5q14.3.
Variant type: single nucleotide variant.
Coding change: c.1093C>T on transcript NM_004385.5 (MANE Select); coding-DNA position 1093, C replaced by T.
Protein change: p.Pro365Ser; replaces proline 365 with serine.
Molecular consequence: missense variant. On other transcripts: intron variant (2).
Genome position (GRCh38, 1-based): chr5:83,519,399, C>T. VCF-style: chr5-83519399-C-T. GRCh37 (hg19) VCF-style: chr5-82815218-C-T.
Other names: c.1093C>T, p.Pro365Ser (NM_001164098.2); c.1042+7003C>T (NM_001164097.2, NM_001126336.3); short protein forms P365S.
Identifiers: ClinVar variation 2122229 (VCV002122229.4), dbSNP rs956336866, ClinGen allele CA360298986.